The following is an entry in ClinVar:

ClinVar aggregate classification (germline): Uncertain significance (1 of 4 stars; one submission).

Conditions:
Familial Mediterranean fever (FMF). Also called: POLYSEROSITIS, FAMILIAL PAROXYSMAL; POLYSEROSITIS, RECURRENT; Periodic peritonitis; Benign paroxysmal peritonitis. Identifiers: Orphanet 342, MedGen C0031069, MONDO:0018088, OMIM 249100. Disease mechanism: gain of function.

gnomAD v4.1: 1 of 1,614,156 alleles (0.000062%); highest among the groups gnomAD compares: African/African-American, 0.0013%; no homozygotes.

Submission:

Labcorp Genetics (formerly Invitae), Labcorp
Classification: Uncertain significance for Familial Mediterranean fever. Last evaluated: 2025-01-13. Review status: criteria provided, single submitter. Criteria: Invitae Variant Classification Sherloc (09022015). Collection method: clinical testing. Allele origin: germline.
Comment: This sequence change replaces phenylalanine, which is neutral and non-polar, with leucine, which is neutral and non-polar, at codon 21 of the MEFV protein (p.Phe21Leu). This variant is not present in population databases (gnomAD no frequency). This variant has not been reported in the literature in individuals affected with MEFV-related conditions. ClinVar contains an entry for this variant (Variation ID: 1980056). An algorithm developed to predict the effect of missense changes on protein structure and function outputs the following: PolyPhen-2: "Possibly Damaging". The leucine amino acid residue is found in multiple mammalian species, which suggests that this missense change does not adversely affect protein function. In summary, the available evidence is currently insufficient to determine the role of this variant in disease. Therefore, it has been classified as a Variant of Uncertain Significance.

NM_000243.3(MEFV):c.63C>A (p.Phe21Leu)

Gene: MEFV (MEFV innate immunity regulator, pyrin; minus strand). Cytogenetic location: 16p13.3.
Variant type: single nucleotide variant.
Coding change: c.63C>A on transcript NM_000243.3 (MANE Select); coding-DNA position 63, C replaced by A.
Protein change: p.Phe21Leu; replaces phenylalanine 21 with leucine.
Molecular consequence: missense variant.
Genome position (GRCh38, 1-based): chr16:3,256,525, G>T on the plus strand (C>A on the coding strand, the complement: MEFV is on the minus strand). VCF-style: chr16-3256525-G-T. GRCh37 (hg19) VCF-style: chr16-3306525-G-T.
Other names: c.63C>A, p.Phe21Leu (NM_001198536.2); short protein forms F21L.
Identifiers: ClinVar variation 1980056 (VCV001980056.3), dbSNP rs1959118627, ClinGen allele CA394485271.
Genomic context (GRCh38, chr16:3,256,525, plus strand): 5'-GGGGATCCTGGAGTGCTCCTTCTGCACACTGGTGTTCTGCAGCTTGAACTTGAACTTCTC[G>T]AAGTCATAGGGCACCAGCTCCTCCAGGGTGGACAGCAGATGGTCACTAGGGGTCTTAGCC-3'
Protein context (NP_000234.1, residues 11-31): STLEELVPYD[Phe21Leu]EKFKFKLQNT